The following is an entry in ClinVar:

NM_032043.3(BRIP1):c.2991A>G (p.Thr997=)

Gene: BRIP1 (BRCA1 interacting DNA helicase 1; minus strand). Cytogenetic location: 17q23.2.
Variant type: single nucleotide variant.
Coding change: c.2991A>G on transcript NM_032043.3 (MANE Select); coding-DNA position 2991, A replaced by G.
Protein change: p.Thr997=; no amino-acid change (threonine 997 retained).
Molecular consequence: synonymous variant.
Genome position (GRCh38, 1-based): chr17:61,684,055, T>C on the plus strand (A>G on the coding strand, the complement: BRIP1 is on the minus strand). VCF-style: chr17-61684055-T-C. GRCh37 (hg19) VCF-style: chr17-59761416-T-C.
Other names: p.Thr997=.
Identifiers: ClinVar variation 185275 (VCV000185275.26), dbSNP rs45466996, ClinGen allele CA191504.

ClinVar aggregate classification (germline): Benign/Likely benign. Review status: criteria provided, multiple submitters, no conflicts (2 of 4 stars). 12 submissions from 11 submitters: Benign (1); Likely benign (7). 4 of the submissions do not count toward it. Last evaluated 2025-11-27.

Conditions:
BRIP1-related disorder. Also called: BRIP1-related condition; BRIP1-related disorders. Identifiers: MedGen CN239206.
Hereditary cancer-predisposing syndrome. Also called: Tumor predisposition; Neoplastic Syndromes, Hereditary; Hereditary neoplastic syndrome; Hereditary Cancer Syndrome. Identifiers: Orphanet 140162, MedGen C0027672, MeSH D009386, MONDO:0015356.
Ovarian cancer. Also called: OVARIAN CANCER, SOMATIC. Identifiers: Orphanet 213500, MedGen C1140680, MONDO:0008170, OMIM 167000.
Fanconi anemia complementation group J. Also called: BRIP1-Related Fanconi Anemia. Identifiers: Orphanet 84, MedGen C1836860, MONDO:0012187, OMIM 609054.
Familial cancer of breast. Also called: BREAST CANCER, FAMILIAL; hereditary breast carcinoma; Hereditary breast cancer. Identifiers: Orphanet 227535, MedGen C0346153, MONDO:0016419, OMIM 114480. Disease mechanism: loss of function.

Allele frequency attached by ClinVar (database versions not stated): ExAC 0.00001; gnomAD exomes 0.00002; TOPMed 0.00002.
gnomAD v4.1: 30 of 1,613,562 alleles (0.0019%); highest among the groups gnomAD compares: Non-Finnish European, 0.0025%; no homozygotes.

Submissions (12):

Labcorp Genetics (formerly Invitae), Labcorp
Classification: Likely benign for Familial cancer of breast; Fanconi anemia complementation group J. Last evaluated: 2025-11-27. Review status: criteria provided, single submitter. Criteria: Invitae Variant Classification Sherloc (09022015). Collection method: clinical testing. Allele origin: germline.

Mayo Clinic Laboratories, Mayo Clinic
Classification: Likely benign. Last evaluated: 2025-08-06. Review status: criteria provided, single submitter. Criteria: ACMG Guidelines, 2015. Collection method: clinical testing. Allele origin: germline. Observed: 1 variant allele.
Comment: BP4, BP7

Myriad Genetics, Inc.
Classification: Benign for Familial cancer of breast. Last evaluated: 2023-02-28. Review status: criteria provided, single submitter. Criteria: Myriad Autosomal Dominant, Autosomal Recessive and X-Linked Classification Criteria (2023). Collection method: clinical testing. Allele origin: unknown.
Comment: This variant is considered benign. This variant is a silent/synonymous amino acid change and it is not expected to impact splicing.

Blueprint Genetics
Classification: Likely benign. Last evaluated: 2022-07-13. Review status: criteria provided, single submitter. Criteria: ACMG Guidelines, 2015. Collection method: clinical testing. Allele origin: germline.

Women's Health and Genetics/Laboratory Corporation of America, LabCorp
Classification: Likely benign. Last evaluated: 2021-03-20. Review status: criteria provided, single submitter. Criteria: LabCorp Variant Classification Summary - May 2015. Collection method: clinical testing. Allele origin: germline.

Color Diagnostics, LLC DBA Color Health
Classification: Likely benign for Hereditary cancer-predisposing syndrome. Last evaluated: 2017-09-24. Review status: criteria provided, single submitter. Criteria: ACMG Guidelines, 2015. Collection method: clinical testing. Allele origin: germline.

GeneDx
Classification: Likely benign. Last evaluated: 2017-07-14. Review status: criteria provided, single submitter. Criteria: GeneDx Variant Classification (06012015). Collection method: clinical testing. Allele origin: germline. Affected: yes.
Comment: This variant is considered likely benign or benign based on one or more of the following criteria: it is a conservative change, it occurs at a poorly conserved position in the protein, it is predicted to be benign by multiple in silico algorithms, and/or has population frequency not consistent with disease.

Ambry Genetics
Classification: Likely benign for Hereditary cancer-predisposing syndrome. Last evaluated: 2014-06-13. Review status: criteria provided, single submitter. Criteria: Ambry Variant Classification Scheme 2023. Collection method: clinical testing. Allele origin: germline.

PreventionGenetics, part of Exact Sciences
Classification: Likely benign for BRIP1-related condition. Last evaluated: 2019-09-20. Review status: no assertion criteria provided. Collection method: clinical testing. Allele origin: germline. Not counted in ClinVar's aggregate classification.
Comment: This variant is classified as likely benign based on ACMG/AMP sequence variant interpretation guidelines (Richards et al. 2015 PMID: 25741868, with internal and published modifications).

True Health Diagnostics
Classification: Likely benign for Hereditary cancer-predisposing syndrome. Last evaluated: 2017-10-31. Review status: no assertion criteria provided. Collection method: clinical testing. Allele origin: germline. Not counted in ClinVar's aggregate classification.

Counsyl
Classification: Likely benign for Fanconi anemia complementation group J. Last evaluated: 2016-10-03. Review status: no assertion criteria provided. Collection method: clinical testing. Allele origin: unknown. Not counted in ClinVar's aggregate classification.

Counsyl
Classification: Likely benign for Ovarian cancer. Last evaluated: 2016-10-03. Review status: no assertion criteria provided. Collection method: clinical testing. Allele origin: unknown. Not counted in ClinVar's aggregate classification.